The following is an entry in ClinVar:

ClinVar aggregate classification (germline): Pathogenic/Likely pathogenic. Review status: criteria provided, multiple submitters, no conflicts (2 of 4 stars). 2 submissions from 2 submitters: Pathogenic (1); Likely pathogenic (1). Last evaluated 2024-02-28.

Conditions:
Transient bullous dermolysis of the newborn (TBDN). Also called: EPIDERMOLYSIS BULLOSA DYSTROPHICA, NEONATAL FORM; DYSTROPHIC EPIDERMOLYSIS BULLOSA, NEONATAL. Identifiers: Orphanet 79411, MedGen C1851573, MONDO:0007548, OMIM 131705.
Generalized dominant dystrophic epidermolysis bullosa (DDEB). Also called: DDEB, generalized; DDEB-gen; DYSTROPHIC EPIDERMOLYSIS BULLOSA, AUTOSOMAL DOMINANT; Epidermolysis bullosa dystrophica, autosomal dominant; Dominant DEB (DDEB). Identifiers: Orphanet 231568, MedGen C0432322, MONDO:0007549, OMIM 131750.
Epidermolysis bullosa pruriginosa. Also called: DEB, PRURIGINOSA; DYSTROPHIC EPIDERMOLYSIS BULLOSA PRURIGINOSA. Identifiers: Orphanet 89843, MedGen C1275114, MONDO:0011398, OMIM 604129.
Recessive dystrophic epidermolysis bullosa (RDEB). Also called: DYSTROPHIC EPIDERMOLYSIS BULLOSA, AUTOSOMAL RECESSIVE; EPIDERMOLYSIS BULLOSA DYSTROPHICA, HALLOPEAU-SIEMENS TYPE; severe generalized recessive dystrophic epidermolysis bullosa; Epidermolysis Bullosa Distrophica Autosomal Recessive (RDEB); EPIDERMOLYSIS BULLOSA DYSTROPHICA, GENERALIZED SEVERE, AUTOSOMAL RECESSIVE; epidermolysis bullosa dystrophica, autosomal recessive. Identifiers: Orphanet 79408, Orphanet 79409, MedGen C0079474, MONDO:0009179, OMIM 226600.
Pretibial dystrophic epidermolysis bullosa. Also called: EPIDERMOLYSIS BULLOSA DYSTROPHICA, PRETIBIAL; Pretibial epidermolysis bullosa; Pretibial blistering. Identifiers: Orphanet 79410, MedGen C0432321, MONDO:0007552, OMIM 131850, HP:0012221.
Dominant dystrophic epidermolysis bullosa with absence of skin. Also called: EPIDERMOLYSIS BULLOSA WITH CONGENITAL LOCALIZED ABSENCE OF SKIN AND DEFORMITY OF NAILS; EPIDERMOLYSIS BULLOSA DYSTROPHICA, BART TYPE. Identifiers: MedGen C0268371, MONDO:0007557, OMIM 132000.
Nonsyndromic congenital nail disorder 8. Also called: TOENAIL DYSTROPHY, ISOLATED. Identifiers: MedGen C1843761, MONDO:0011852, OMIM 607523.

Submissions (2):

Fulgent Genetics
Classification: Likely pathogenic for Transient bullous dermolysis of the newborn; Generalized dominant dystrophic epidermolysis bullosa; Pretibial dystrophic epidermolysis bullosa; Dominant dystrophic epidermolysis bullosa with absence of skin; Recessive dystrophic epidermolysis bullosa; Epidermolysis bullosa pruriginosa; Nonsyndromic congenital nail disorder 8. Last evaluated: 2024-02-28. Review status: criteria provided, single submitter. Criteria: ACMG Guidelines, 2015. Collection method: clinical testing. Allele origin: germline.

Labcorp Genetics (formerly Invitae), Labcorp
Classification: Pathogenic. Last evaluated: 2019-06-19. Review status: criteria provided, single submitter. Criteria: Invitae Variant Classification Sherloc (09022015). Collection method: clinical testing. Allele origin: germline.
Comment: For these reasons, this variant has been classified as Pathogenic. Loss-of-function variants in COL7A1 are known to be pathogenic (PMID: 16971478). This variant has not been reported in the literature in individuals with COL7A1-related conditions. This variant is not present in population databases (ExAC no frequency). This sequence change creates a premature translational stop signal (p.Pro530Glnfs*85) in the COL7A1 gene. It is expected to result in an absent or disrupted protein product.

Literature cited by the submitters: PubMed 16971478 (cited by Labcorp Genetics (formerly Invitae), Labcorp).

NM_000094.4(COL7A1):c.1589del (p.Pro530fs)

Gene: COL7A1 (collagen type VII alpha 1 chain; minus strand). Cytogenetic location: 3p21.31.
Variant type: Deletion.
Coding change: c.1589del on transcript NM_000094.4 (MANE Select); coding-DNA position 1589, one base deleted (C; older notation c.1589delC).
Protein change: p.Pro530fs; shifts the reading frame from proline 530.
Molecular consequence: frameshift variant.
Genome position (GRCh38, 1-based): chr3:48,591,511, G deleted on the plus strand (C on the coding strand, the reverse complement: COL7A1 is on the minus strand); the first of 3 consecutive G bases (chr3:48,591,511-48,591,513); deleting any one gives the same sequence. VCF-style (leftmost placement, unchanged base first): chr3-48591510-TG-T. GRCh37 (hg19) VCF-style: chr3-48628943-TG-T.
Other names: short protein forms P530fs.
Identifiers: ClinVar variation 940643 (VCV000940643.7), dbSNP rs2045697078, ClinGen allele CA1139655786.